The following is an entry in ClinVar:

ClinVar aggregate classification (germline): Uncertain significance (1 of 4 stars; one submission).

Submission:

Greenwood Genetic Center Diagnostic Laboratories, Greenwood Genetic Center
Classification: Uncertain significance. Last evaluated: 2022-08-30. Review status: criteria provided, single submitter. Criteria: ACMG Guidelines, 2015. Collection method: clinical testing. Allele origin: germline. Affected: yes.
Comment: PM2, PP2, PP3

NM_003128.3(SPTBN1):c.4801G>T (p.Ala1601Ser)

Gene: SPTBN1 (spectrin beta, non-erythrocytic 1; plus strand). Cytogenetic location: 2p16.2.
Variant type: single nucleotide variant.
Coding change: c.4801G>T on transcript NM_003128.3 (MANE Select); coding-DNA position 4801, G replaced by T.
Protein change: p.Ala1601Ser; replaces alanine 1601 with serine.
Molecular consequence: missense variant.
Genome position (GRCh38, 1-based): chr2:54,646,410, G>T. VCF-style: chr2-54646410-G-T. GRCh37 (hg19) VCF-style: chr2-54873547-G-T.
Other names: c.4762G>T, p.Ala1588Ser (NM_178313.3); short protein forms A1588S, A1601S.
Identifiers: ClinVar variation 1710382 (VCV001710382.3), dbSNP rs1247888043, ClinGen allele CA346903492.
Genomic context (GRCh38, chr2:54,646,410, plus strand): 5'-ACAGAGAAACGCCACAGGCGGCTGGAGGAGGCGCACAGGGCCCAGCAGTACTACTTTGAC[G>T]CTGCTGAGGCCGAAGCCTGGATGAGCGAGCAGGAGCTGTACATGATGTCAGAGGAGAAGG-3'
Protein context (NP_003119.2, residues 1591-1611): AHRAQQYYFD[Ala1601Ser]AEAEAWMSEQ